The following is an entry in ClinVar:

NM_144670.6(A2ML1):c.3621G>C (p.Lys1207Asn)

Gene: A2ML1 (alpha-2-macroglobulin like 1; plus strand). Cytogenetic location: 12p13.31.
Variant type: single nucleotide variant.
Coding change: c.3621G>C on transcript NM_144670.6 (MANE Select); coding-DNA position 3621, G replaced by C.
Protein change: p.Lys1207Asn; replaces lysine 1207 with asparagine.
Molecular consequence: missense variant.
Genome position (GRCh38, 1-based): chr12:8,863,912, G>C. VCF-style: chr12-8863912-G-C. GRCh37 (hg19) VCF-style: chr12-9016508-G-C.
Other names: c.2148G>C, p.Lys716Asn (NM_001282424.3); short protein forms K1207N, K716N.
Identifiers: ClinVar variation 1717905 (VCV001717905.5), dbSNP rs2539298375, ClinGen allele CA383842242.

ClinVar aggregate classification (germline): Uncertain significance (1 of 4 stars; one submission).

Submission:

Labcorp Genetics (formerly Invitae), Labcorp
Classification: Uncertain significance. Last evaluated: 2022-08-23. Review status: criteria provided, single submitter. Criteria: Invitae Variant Classification Sherloc (09022015). Collection method: clinical testing. Allele origin: germline.
Comment: Algorithms developed to predict the effect of missense changes on protein structure and function are either unavailable or do not agree on the potential impact of this missense change (SIFT: "Tolerated"; PolyPhen-2: "Possibly Damaging"; Align-GVGD: "Class C0"). This variant has not been reported in the literature in individuals affected with A2ML1-related conditions. In summary, the available evidence is currently insufficient to determine the role of this variant in disease. Therefore, it has been classified as a Variant of Uncertain Significance. This variant is not present in population databases (gnomAD no frequency). This sequence change replaces lysine, which is basic and polar, with asparagine, which is neutral and polar, at codon 1207 of the A2ML1 protein (p.Lys1207Asn).